The following is an entry in ClinVar:

NM_001330360.2(POLA1):c.2375A>G (p.Glu792Gly)

Gene: POLA1 (DNA polymerase alpha 1, catalytic subunit; plus strand). Cytogenetic location: Xp22.11.
Variant type: single nucleotide variant.
Coding change: c.2375A>G on transcript NM_001330360.2 (MANE Select); coding-DNA position 2375, A replaced by G.
Protein change: p.Glu792Gly; replaces glutamic acid 792 with glycine.
Molecular consequence: missense variant. On other transcripts: non-coding transcript variant (1).
Genome position (GRCh38, 1-based): chrX:24,742,030, A>G. VCF-style: chrX-24742030-A-G. GRCh37 (hg19) VCF-style: chrX-24760147-A-G.
Other names: c.2357A>G (NM_016937.3); c.2300A>G, p.Glu767Gly (NM_001378303.1); c.2357A>G, p.Glu786Gly (NM_016937.4); short protein forms E792G, E767G, E786G.
Identifiers: ClinVar variation 2899552 (VCV002899552.4), dbSNP rs1263341513, ClinGen allele CA412536358.

ClinVar aggregate classification (germline): Uncertain significance. Review status: criteria provided, multiple submitters, no conflicts (2 of 4 stars). 2 submissions from 2 submitters: Uncertain significance (2). Last evaluated 2024-10-16.

Conditions:
Inborn genetic diseases. Identifiers: MedGen C0950123, MeSH D030342.

Allele frequency attached by ClinVar (database versions not stated): gnomAD exomes below 0.00001.
gnomAD v4.1: 2 of 1,203,332 alleles (0.00017%); highest among the groups gnomAD compares: East Asian, 0.003%; no homozygotes.

Submissions (2):

Ambry Genetics
Classification: Uncertain significance for Inborn genetic diseases. Last evaluated: 2024-10-16. Review status: criteria provided, single submitter. Criteria: Ambry Variant Classification Scheme 2023. Collection method: clinical testing. Allele origin: germline.

Labcorp Genetics (formerly Invitae), Labcorp
Classification: Uncertain significance. Last evaluated: 2022-12-19. Review status: criteria provided, single submitter. Criteria: Invitae Variant Classification Sherloc (09022015). Collection method: clinical testing. Allele origin: germline.
Comment: In summary, the available evidence is currently insufficient to determine the role of this variant in disease. Therefore, it has been classified as a Variant of Uncertain Significance. Advanced modeling of protein sequence and biophysical properties (such as structural, functional, and spatial information, amino acid conservation, physicochemical variation, residue mobility, and thermodynamic stability) performed at Invitae indicates that this missense variant is expected to disrupt POLA1 protein function. This variant has not been reported in the literature in individuals affected with POLA1-related conditions. The frequency data for this variant in the population databases is considered unreliable, as metrics indicate poor data quality at this position in the gnomAD database. This sequence change replaces glutamic acid, which is acidic and polar, with glycine, which is neutral and non-polar, at codon 786 of the POLA1 protein (p.Glu786Gly).